The following is an entry in ClinVar:

NM_001330677.2(TBX15):c.752T>C (p.Phe251Ser)

Gene: TBX15 (T-box transcription factor 15; minus strand). Cytogenetic location: 1p12.
Variant type: single nucleotide variant.
Coding change: c.752T>C on transcript NM_001330677.2 (MANE Select); coding-DNA position 752, T replaced by C.
Protein change: p.Phe251Ser; replaces phenylalanine 251 with serine.
Molecular consequence: missense variant.
Genome position (GRCh38, 1-based): chr1:118,923,545, A>G on the plus strand (T>C on the coding strand, the complement: TBX15 is on the minus strand). VCF-style: chr1-118923545-A-G. GRCh37 (hg19) VCF-style: chr1-119466168-A-G.
Other names: c.434T>C, p.Phe145Ser (NM_152380.3); c.434T>C (NM_152380.2); short protein forms F145S, F251S.
Identifiers: ClinVar variation 1433420 (VCV001433420.8), dbSNP rs199611902, ClinGen allele CA1035009.
Genomic context (GRCh38, chr1:118,923,545, plus strand): 5'-TTGAACGTTTTCACCCCATCCCCAACAGGAACAGGCTTAGTGGGTGAAAGGTCACTGCTG[A>G]AGTCTTTGCGAATCACATGAACTCGAGGCTGGTATTTGTGCATAGAGTGCAGAATGATCT-3'
Protein context (NP_001317606.1, residues 241-261): QPRVHVIRKD[Phe251Ser]SSDLSPTKPV

ClinVar aggregate classification (germline): Uncertain significance. Review status: criteria provided, multiple submitters, no conflicts (2 of 4 stars). 3 submissions from 3 submitters: Uncertain significance (3). Last evaluated 2023-04-11.

Conditions:
Inborn genetic diseases. Identifiers: MedGen C0950123, MeSH D030342.
Pelviscapular dysplasia. Identifiers: Orphanet 93333, MedGen C1850040, MONDO:0009845, OMIM 260660.

Allele frequency attached by ClinVar (database versions not stated): gnomAD exomes 0.00004 and 0.00014; gnomAD 0.00005 and 0.00007; ExAC 0.00013; 1000 Genomes Project 30x 0.00031; 1000 Genomes Project 0.00040.
gnomAD v4.1: 79 of 1,614,028 alleles (0.0049%); highest among the groups gnomAD compares: East Asian, 0.15%; no homozygotes.

Submissions (3):

Genome-Nilou Lab
Classification: Uncertain significance for Pelviscapular dysplasia. Last evaluated: 2023-04-11. Review status: criteria provided, single submitter. Criteria: ACMG Guidelines, 2015. Collection method: clinical testing. Allele origin: germline. Affected: no.

Ambry Genetics
Classification: Uncertain significance for Inborn genetic diseases. Last evaluated: 2022-05-11. Review status: criteria provided, single submitter. Criteria: Ambry Variant Classification Scheme 2023. Collection method: clinical testing. Allele origin: germline.

Labcorp Genetics (formerly Invitae), Labcorp
Classification: Uncertain significance. Last evaluated: 2021-05-16. Review status: criteria provided, single submitter. Criteria: Invitae Variant Classification Sherloc (09022015). Collection method: clinical testing. Allele origin: germline.
Comment: In summary, the available evidence is currently insufficient to determine the role of this variant in disease. Therefore, it has been classified as a Variant of Uncertain Significance. This sequence change replaces phenylalanine with serine at codon 145 of the TBX15 protein (p.Phe145Ser). The phenylalanine residue is highly conserved and there is a large physicochemical difference between phenylalanine and serine. This variant is present in population databases (rs199611902, ExAC 0.2%). This variant has not been reported in the literature in individuals with TBX15-related conditions. Algorithms developed to predict the effect of missense changes on protein structure and function (SIFT, PolyPhen-2, Align-GVGD) all suggest that this variant is likely to be tolerated, but these predictions have not been confirmed by published functional studies and their clinical significance is uncertain.